The following is an entry in ClinVar:

NM_001378615.1(CC2D2A):c.4098del (p.Glu1367fs)

Genes: CC2D2A (coiled-coil and C2 domain containing 2A; plus strand), FBXL5 (F-box and leucine rich repeat protein 5; minus strand). Cytogenetic location: 4p15.32.
Variant type: Deletion.
Coding change: c.4098del on transcript NM_001378615.1 (MANE Select); coding-DNA position 4098, one base deleted (A; older notation c.4098delA).
Protein change: p.Glu1367fs; shifts the reading frame from glutamic acid 1367.
Molecular consequence: frameshift variant.
Genome position (GRCh38, 1-based): chr4:15,587,848, A deleted; the last of 2 consecutive A bases (chr4:15,587,847-15,587,848); deleting either gives the same sequence. VCF-style (leftmost placement, unchanged base first): chr4-15587846-GA-G. GRCh37 (hg19) VCF-style: chr4-15589469-GA-G.
Other names: c.4098del, p.Glu1367fs (NM_001080522.2); c.3951del, p.Glu1318fs (NM_001378617.1); short protein forms E1318fs, E1367fs.
Identifiers: ClinVar variation 2945670 (VCV002945670.4), dbSNP rs1720921490, ClinGen allele CA1440706406.

ClinVar aggregate classification (germline): Pathogenic. Review status: criteria provided, multiple submitters, no conflicts (2 of 4 stars). 2 submissions from 2 submitters: Pathogenic (2). Last evaluated 2024-08-24.

Conditions:
Joubert syndrome and related disorders. Identifiers: Orphanet 140874, MedGen C5679612, MONDO:0015369.
Joubert syndrome. Also called: JOUBERT-BOLTSHAUSER SYNDROME; Familial aplasia of the vermis. Identifiers: Orphanet 475, MedGen C5979921, MONDO:0018772.
Meckel-Gruber syndrome. Also called: DYSENCEPHALIA SPLANCHNOCYSTICA; GRUBER SYNDROME; Dysencephalia splachnocystica. Identifiers: Orphanet 564, MedGen C0265215, MONDO:0018921.

Submissions (2):

Myriad Genetics, Inc.
Classification: Pathogenic for Joubert syndrome and related disorders. Last evaluated: 2024-08-24. Review status: criteria provided, single submitter. Criteria: Myriad Autosomal Dominant, Autosomal Recessive and X-Linked Classification Criteria (2023). Collection method: clinical testing. Allele origin: unknown.
Comment: NM_001080522.2(CC2D2A):c.4098delA(E1367Nfs*20) is expected to be pathogenic in the context of CC2D2A-related disorders. This variant is predicted to lead to an abnormal or absent protein product due to the creation of a premature termination codon in CC2D2A, a gene where loss-of-function variants are known to be pathogenic. Please note: this variant was assessed in the context of healthy population screening.

Labcorp Genetics (formerly Invitae), Labcorp
Classification: Pathogenic for Joubert syndrome; Meckel-Gruber syndrome. Last evaluated: 2023-03-22. Review status: criteria provided, single submitter. Criteria: Invitae Variant Classification Sherloc (09022015). Collection method: clinical testing. Allele origin: germline.
Comment: This sequence change creates a premature translational stop signal (p.Glu1367Asnfs*20) in the CC2D2A gene. It is expected to result in an absent or disrupted protein product. Loss-of-function variants in CC2D2A are known to be pathogenic (PMID: 19777577). This variant is not present in population databases (gnomAD no frequency). This variant has not been reported in the literature in individuals affected with CC2D2A-related conditions. Algorithms developed to predict the effect of sequence changes on RNA splicing suggest that this variant may disrupt the consensus splice site. For these reasons, this variant has been classified as Pathogenic.

Literature cited by the submitters: PubMed 19777577 (cited by Labcorp Genetics (formerly Invitae), Labcorp).